The following is an entry in ClinVar:

NM_001372.4(DNAH9):c.3601A>G (p.Ile1201Val)

Gene: DNAH9 (dynein axonemal heavy chain 9; plus strand). Cytogenetic location: 17p12.
Variant type: single nucleotide variant.
Coding change: c.3601A>G on transcript NM_001372.4 (MANE Select); coding-DNA position 3601, A replaced by G.
Protein change: p.Ile1201Val; replaces isoleucine 1201 with valine.
Molecular consequence: missense variant.
Genome position (GRCh38, 1-based): chr17:11,680,747, A>G. VCF-style: chr17-11680747-A-G. GRCh37 (hg19) VCF-style: chr17-11584064-A-G.
Other names: short protein forms I1201V.
Identifiers: ClinVar variation 3778264 (VCV003778264.7).

ClinVar aggregate classification (germline): Uncertain significance (1 of 4 stars; one submission).

gnomAD v4.1: 2 of 1,614,090 alleles (0.00012%); highest among the groups gnomAD compares: Non-Finnish European, 0.00017%; no homozygotes.

Submission:

CeGaT Center for Human Genetics Tuebingen
Classification: Uncertain significance. Last evaluated: 2025-03-01. Review status: criteria provided, single submitter. Criteria: CeGaT Center For Human Genetics Tuebingen Variant Classification Criteria Version 2. Collection method: clinical testing. Allele origin: germline. Affected: yes. Observed: 1 variant allele.
Comment: DNAH9: PM2, BP4